The following is an entry in ClinVar:

NM_006017.3(PROM1):c.*1T>C

Gene: PROM1 (prominin 1; minus strand). Cytogenetic location: 4p15.32.
Variant type: single nucleotide variant.
Coding change: c.*1T>C on transcript NM_006017.3 (MANE Select); 1 bases downstream of the stop codon, T replaced by C.
Molecular consequence: 3 prime UTR variant. On other transcripts: non-coding transcript variant (2).
Genome position (GRCh38, 1-based): chr4:15,971,066, A>G on the plus strand (T>C on the coding strand, the complement: PROM1 is on the minus strand). VCF-style: chr4-15971066-A-G. GRCh37 (hg19) VCF-style: chr4-15972689-A-G.
Other names: c.*1T>C (NM_001145847.2, NM_001145848.2, NM_001145849.2 and 13 more transcripts).
Identifiers: ClinVar variation 4988695 (VCV004988695.1).

ClinVar aggregate classification (germline): Likely benign (1 of 4 stars; one submission).

Conditions:
PROM1-related disorder. Also called: PROM1-related disorders; PROM1-related condition.

gnomAD v4.1: 19 of 1,581,834 alleles (0.0012%); highest among the groups gnomAD compares: South Asian, 0.021%; no homozygotes.

Submission:

PreventionGenetics, part of Exact Sciences
Classification: Likely benign for PROM1-related condition. Last evaluated: 2025-10-21. Review status: criteria provided, single submitter. Criteria: ACMG Guidelines, 2015. Collection method: clinical testing. Allele origin: germline.
Comment: This variant is classified as likely benign based on ACMG/AMP sequence variant interpretation guidelines (Richards et al. 2015 PMID: 25741868, with internal and published modifications).